The following is an entry in ClinVar:

NM_001972.4(ELANE):c.661G>T (p.Gly221Ter)

Gene: ELANE (elastase, neutrophil expressed; plus strand). Cytogenetic location: 19p13.3.
Variant type: single nucleotide variant.
Coding change: c.661G>T on transcript NM_001972.4 (MANE Select); coding-DNA position 661, G replaced by T.
Protein change: p.Gly221Ter; replaces glycine 221 with a stop codon.
Molecular consequence: nonsense.
Genome position (GRCh38, 1-based): chr19:856,021, G>T. VCF-style: chr19-856021-G-T. GRCh37 (hg19) VCF-style: chr19-856021-G-T.
Other names: short protein forms G221*.
Identifiers: ClinVar variation 1043994 (VCV001043994.11), dbSNP rs2035675760, ClinGen allele CA402919066.

ClinVar aggregate classification (germline): Likely pathogenic (1 of 4 stars; one submission).

Conditions:
Neutropenia, severe congenital, 1, autosomal dominant. Identifiers: MedGen C1859966, MONDO:0042490, OMIM 202700.
Cyclical neutropenia. Also called: Cyclic Neutropenia; Cyclic hematopoiesis. Identifiers: Orphanet 2686, MedGen C0221023, MONDO:0008090, OMIM 162800, HP:0040289. Disease mechanism: loss of function.

Submission:

Labcorp Genetics (formerly Invitae), Labcorp
Classification: Likely pathogenic for Neutropenia, severe congenital, 1, autosomal dominant; Cyclical neutropenia. Last evaluated: 2023-12-19. Review status: criteria provided, single submitter. Criteria: Invitae Variant Classification Sherloc (09022015). Collection method: clinical testing. Allele origin: germline.
Comment: This sequence change creates a premature translational stop signal (p.Gly221*) in the ELANE gene. While this is not anticipated to result in nonsense mediated decay, it is expected to disrupt the last 47 amino acid(s) of the ELANE protein. This variant is not present in population databases (gnomAD no frequency). This premature translational stop signal has been observed in individual(s) with severe congenital neutropenia (PMID: 11001877). This variant is also known as G16300T G192Stop. ClinVar contains an entry for this variant (Variation ID: 1043994). Algorithms developed to predict the effect of sequence changes on RNA splicing suggest that this variant may create or strengthen a splice site. This variant is located in a region of the ELANE protein where a significant number of ELANE nonsense and -1/+2 frameshift mutations have been reported in association with autosomal dominant ELANE-related neutropenia (PMID: 33513358, 23463630, 34340247). In summary, the currently available evidence indicates that the variant is pathogenic, but additional data are needed to prove that conclusively. Therefore, this variant has been classified as Likely Pathogenic.

Literature cited by the submitters: PubMed 11001877; PubMed 33513358; PubMed 23463630; PubMed 34340247.